The following is an entry in ClinVar:

NM_001355436.2(SPTB):c.2029C>T (p.Arg677Cys)

Gene: SPTB (spectrin beta, erythrocytic; minus strand). Cytogenetic location: 14q23.3.
Variant type: single nucleotide variant.
Coding change: c.2029C>T on transcript NM_001355436.2 (MANE Select); coding-DNA position 2029, C replaced by T.
Protein change: p.Arg677Cys; replaces arginine 677 with cysteine.
Molecular consequence: missense variant.
Genome position (GRCh38, 1-based): chr14:64,793,634, G>A on the plus strand (C>T on the coding strand, the complement: SPTB is on the minus strand). VCF-style: chr14-64793634-G-A. GRCh37 (hg19) VCF-style: chr14-65260352-G-A.
Other names: c.2029C>T, p.Arg677Cys (NM_001024858.4, NM_001355437.2); short protein forms R677C.
Identifiers: ClinVar variation 3671201 (VCV003671201.2).

ClinVar aggregate classification (germline): Uncertain significance (1 of 4 stars; one submission).

gnomAD v4.1: 22 of 1,614,018 alleles (0.0014%); highest among the groups gnomAD compares: Admixed American, 0.018%; no homozygotes.

Submission:

Labcorp Genetics (formerly Invitae), Labcorp
Classification: Uncertain significance. Last evaluated: 2025-01-15. Review status: criteria provided, single submitter. Criteria: Invitae Variant Classification Sherloc (09022015). Collection method: clinical testing. Allele origin: germline.
Comment: This sequence change replaces arginine, which is basic and polar, with cysteine, which is neutral and slightly polar, at codon 677 of the SPTB protein (p.Arg677Cys). This variant is present in population databases (rs755493619, gnomAD 0.03%). This variant has not been reported in the literature in individuals affected with SPTB-related conditions. An algorithm developed to predict the effect of missense changes on protein structure and function (PolyPhen-2) suggests that this variant is likely to be disruptive. In summary, the available evidence is currently insufficient to determine the role of this variant in disease. Therefore, it has been classified as a Variant of Uncertain Significance.